The following is an entry in ClinVar:

ClinVar aggregate classification (germline): Benign. Review status: criteria provided, multiple submitters, no conflicts (2 of 4 stars). 2 submissions from 2 submitters: Benign (2). Last evaluated 2018-06-14.

Allele frequency attached by ClinVar (database versions not stated): gnomAD 0.07837 and 0.08458; 1000 Genomes Project 0.08726; TOPMed 0.08791; 1000 Genomes Project 30x 0.09557.
gnomAD v4.1: 11,798 of 152,154 alleles (7.8%); highest among the groups gnomAD compares: African/African-American, 27%; 1,618 homozygotes.

Submissions (2):

GeneDx
Classification: Benign. Last evaluated: 2018-06-14. Review status: criteria provided, single submitter. Criteria: GeneDx Variant Classification (06012015). Collection method: clinical testing. Allele origin: germline. Affected: yes.
Comment: This variant is considered likely benign or benign based on one or more of the following criteria: it is a conservative change, it occurs at a poorly conserved position in the protein, it is predicted to be benign by multiple in silico algorithms, and/or has population frequency not consistent with disease.

Breakthrough Genomics
Classification: Benign. Review status: criteria provided, single submitter. Criteria: ACMG Guidelines, 2015. Collection method: not provided. Allele origin: germline. Inheritance: Autosomal dominant inheritance. Affected: yes.

NM_000138.5(FBN1):c.538+204C>T

Genes: FBN1 (fibrillin 1; minus strand), LOC130057018 (ATAC-STARR-seq lymphoblastoid active region 9375; plus strand). Cytogenetic location: 15q21.1.
Variant type: single nucleotide variant.
Coding change: c.538+204C>T on transcript NM_000138.5 (MANE Select); 204 bases into the intron after coding-DNA position 538, C replaced by T.
Molecular consequence: intron variant.
Genome position (GRCh38, 1-based): chr15:48,596,079, G>A on the plus strand (C>T on the coding strand, the complement: FBN1 is on the minus strand). VCF-style: chr15-48596079-G-A. GRCh37 (hg19) VCF-style: chr15-48888276-G-A.
Identifiers: ClinVar variation 675251 (VCV000675251.2), dbSNP rs1876207, ClinGen allele CA270049200.